The following is an entry in ClinVar:

NM_007294.4(BRCA1):c.3920C>T (p.Thr1307Ile)

Genes: BRCA1 (BRCA1 DNA repair associated; minus strand), LOC126862571 (BRD4-independent group 4 enhancer GRCh37_chr17:41243136-41244335; plus strand). Cytogenetic location: 17q21.31.
Variant type: single nucleotide variant.
Coding change: c.3920C>T on transcript NM_007294.4 (MANE Select); coding-DNA position 3920, C replaced by T.
Protein change: p.Thr1307Ile; replaces threonine 1307 with isoleucine.
Molecular consequence: missense variant. On other transcripts: intron variant (135).
Genome position (GRCh38, 1-based): chr17:43,091,611, G>A on the plus strand (C>T on the coding strand, the complement: BRCA1 is on the minus strand). VCF-style: chr17-43091611-G-A. GRCh37 (hg19) VCF-style: chr17-41243628-G-A.
Other names: c.710-579C>T (NM_001408411.1, NM_001408412.1, NM_001408409.1 and 2 more transcripts); c.662-579C>T (NM_001408433.1, NM_001408447.1, NM_001408446.1 and 6 more transcripts); c.578-579C>T (NM_001408514.1, NM_001408485.1, NM_001408481.1 and 9 more transcripts); c.785-579C>T (NM_001408392.1, NM_001408400.1, NM_001408397.1 and 13 more transcripts); c.3707C>T, p.Thr1236Ile (NM_001407571.1, NM_001407894.1, NM_001407895.1 and 9 more transcripts); c.3920C>T, p.Thr1307Ile (NM_001407581.1, NM_001407582.1, NM_001407583.1 and 30 more transcripts); c.3917C>T, p.Thr1306Ile (NM_001407587.1, NM_001407590.1, NM_001407591.1 and 22 more transcripts); c.3911C>T, p.Thr1304Ile (NM_001407646.1, NM_001407647.1); and 41 more; short protein forms T1011I, T1139I, T1179I, T1180I, T1195I, T1196I, T1218I, T1219I.
Identifiers: ClinVar variation 3226147 (VCV003226147.1), dbSNP rs2154276956, ClinGen allele CA10594119.

ClinVar aggregate classification (germline): Uncertain significance (1 of 4 stars; one submission).

Conditions:
Hereditary cancer-predisposing syndrome. Also called: Neoplastic Syndromes, Hereditary; Tumor predisposition; Hereditary neoplastic syndrome; Hereditary Cancer Syndrome. Identifiers: Orphanet 140162, MedGen C0027672, MeSH D009386, MONDO:0015356.

Submission:

Ambry Genetics
Classification: Uncertain significance for Hereditary cancer-predisposing syndrome. Last evaluated: 2024-01-25. Review status: criteria provided, single submitter. Criteria: Ambry Variant Classification Scheme 2023. Collection method: clinical testing. Allele origin: germline.
Comment: The p.T1307I variant (also known as c.3920C>T), located in coding exon 9 of the BRCA1 gene, results from a C to T substitution at nucleotide position 3920. The threonine at codon 1307 is replaced by isoleucine, an amino acid with similar properties. This amino acid position is conserved. In addition, the in silico prediction for this alteration is inconclusive. Based on the available evidence, the clinical significance of this alteration remains unclear.